The following is an entry in ClinVar:

NM_005529.7(HSPG2):c.5085C>T (p.Ser1695=)

Gene: HSPG2 (heparan sulfate proteoglycan 2; minus strand). Cytogenetic location: 1p36.12.
Variant type: single nucleotide variant.
Coding change: c.5085C>T on transcript NM_005529.7 (MANE Select); coding-DNA position 5085, C replaced by T.
Protein change: p.Ser1695=; no amino-acid change (serine 1695 retained).
Molecular consequence: synonymous variant.
Genome position (GRCh38, 1-based): chr1:21,859,932, G>A on the plus strand (C>T on the coding strand, the complement: HSPG2 is on the minus strand). VCF-style: chr1-21859932-G-A. GRCh37 (hg19) VCF-style: chr1-22186425-G-A.
Other names: c.5088C>T, p.Ser1696= (NM_001291860.2).
Identifiers: ClinVar variation 3899081 (VCV003899081.1).
Genomic context (GRCh38, chr1:21,859,932, plus strand): 5'-CCCATCCTCACGGGACCAATAGAAGTAGTGGGGTGGGCTCCCACTGACCTGACACCGCAG[G>A]GAGTGGGAGCCACCTTGGGGCACTATGCTTCGAGCAGGATGGACCTCGACCACCAGTGGG-3'
Protein context (NP_005520.4, residues 1685-1705): RSIVPQGGSH[Ser1695=]LRCQVSGSPP

ClinVar aggregate classification (germline): Uncertain significance (1 of 4 stars; one submission).

gnomAD v4.1: 8 of 1,610,420 alleles (0.0005%); highest among the groups gnomAD compares: East Asian, 0.0022%; no homozygotes.

Submission:

GeneDx
Classification: Uncertain significance. Last evaluated: 2024-11-11. Review status: criteria provided, single submitter. Criteria: GeneDx Variant Classification Process June 2021. Collection method: clinical testing. Allele origin: germline. Affected: yes.
Comment: Has not been previously published as pathogenic or benign to our knowledge; In silico analysis suggests this variant may impact gene splicing. In the absence of RNA/functional studies, the actual effect of this sequence change is unknown.